The following is an entry in ClinVar:

ClinVar aggregate classification (germline): Uncertain significance (1 of 4 stars; one submission).

Conditions:
Pierpont syndrome (PRPTS). Identifiers: Orphanet 487825, MedGen C1865644, MONDO:0011213, OMIM 602342.

Submission:

Labcorp Genetics (formerly Invitae), Labcorp
Classification: Uncertain significance for Pierpont syndrome. Last evaluated: 2022-08-16. Review status: criteria provided, single submitter. Criteria: Invitae Variant Classification Sherloc (09022015). Collection method: clinical testing. Allele origin: germline.
Comment: Advanced modeling of protein sequence and biophysical properties (such as structural, functional, and spatial information, amino acid conservation, physicochemical variation, residue mobility, and thermodynamic stability) performed at Invitae indicates that this missense variant is expected to disrupt TBL1XR1 protein function. ClinVar contains an entry for this variant (Variation ID: 1402791). This variant has not been reported in the literature in individuals affected with TBL1XR1-related conditions. This variant is not present in population databases (gnomAD no frequency). This sequence change replaces tyrosine, which is neutral and polar, with cysteine, which is neutral and slightly polar, at codon 13 of the TBL1XR1 protein (p.Tyr13Cys). Algorithms developed to predict the effect of sequence changes on RNA splicing suggest that this variant may create or strengthen a splice site. In summary, the available evidence is currently insufficient to determine the role of this variant in disease. Therefore, it has been classified as a Variant of Uncertain Significance.

NM_024665.7(TBL1XR1):c.38A>G (p.Tyr13Cys)

Gene: TBL1XR1 (TBL1X/Y related 1; minus strand). Cytogenetic location: 3q26.32.
Variant type: single nucleotide variant.
Coding change: c.38A>G on transcript NM_024665.7 (MANE Select); coding-DNA position 38, A replaced by G.
Protein change: p.Tyr13Cys; replaces tyrosine 13 with cysteine.
Molecular consequence: missense variant. On other transcripts: intron variant (2).
Genome position (GRCh38, 1-based): chr3:177,064,940, T>C on the plus strand (A>G on the coding strand, the complement: TBL1XR1 is on the minus strand). VCF-style: chr3-177064940-T-C. GRCh37 (hg19) VCF-style: chr3-176782728-T-C.
Other names: c.38A>G, p.Tyr13Cys (NM_001321193.3, NM_001321194.3, NM_001374327.1 and 2 more transcripts); c.-203-11022A>G (NM_001374330.1, NM_001321195.3); short protein forms Y13C.
Identifiers: ClinVar variation 1402791 (VCV001402791.9), dbSNP rs1405162373, ClinGen allele CA355554987.
Genomic context (GRCh38, chr3:177,064,940, plus strand): 5'-AAAATAATTTGAGGCCTATTTACTTTATAAAAGTACTCACCTGACTCTTGCAAGTATCTA[T>C]ATACCAAGAAGTTGACCTCATCACTGCTTATACTCATCTTTATTCCCACTTAAACCATGA-3'
Protein context (NP_078941.2, residues 3-23): ISSDEVNFLV[Tyr13Cys]RYLQESGFSH